The following is an entry in ClinVar:

NM_001184880.2(PCDH19):c.2617-1G>A

Gene: PCDH19 (protocadherin 19; minus strand). Cytogenetic location: Xq22.1.
Variant type: single nucleotide variant.
Coding change: c.2617-1G>A on transcript NM_001184880.2 (MANE Select); the canonical splice acceptor site of the intron before coding-DNA position 2617, G replaced by A.
Molecular consequence: splice acceptor variant.
Genome position (GRCh38, 1-based): chrX:100,350,705, C>T on the plus strand (G>A on the coding strand, the complement: PCDH19 is on the minus strand). VCF-style: chrX-100350705-C-T. GRCh37 (hg19) VCF-style: chrX-99605703-C-T.
Other names: c.2476-1G>A (NM_020766.3, NM_001105243.2).
Identifiers: ClinVar variation 648240 (VCV000648240.9), dbSNP rs1602600561, ClinGen allele CA414001155.

ClinVar aggregate classification (germline): Pathogenic (1 of 4 stars; one submission).

Conditions:
Developmental and epileptic encephalopathy, 9 (DEE9). Also called: EPILEPSY, FEMALE-RESTRICTED, WITH MENTAL RETARDATION; Early infantile epileptic encephalopathy 9; PCDH19-Related X-Linked Female-Limited Epilepsy with Mental Retardation; JUBERG-HELLMAN SYNDROME. Identifiers: Orphanet 101039, Orphanet 2076, MedGen C1848137, MONDO:0010246, OMIM 300088. Disease mechanism: loss of function.

Submission:

Labcorp Genetics (formerly Invitae), Labcorp
Classification: Pathogenic for Developmental and epileptic encephalopathy, 9. Last evaluated: 2018-09-26. Review status: criteria provided, single submitter. Criteria: Invitae Variant Classification Sherloc (09022015). Collection method: clinical testing. Allele origin: germline.
Comment: This sequence change affects an acceptor splice site in intron 3 of the PCDH19 gene. It is expected to disrupt RNA splicing and likely results in an absent or disrupted protein product. For these reasons, this variant has been classified as Pathogenic. Donor and acceptor splice site variants typically lead to a loss of protein function (PMID: 16199547), and loss-of-function variants in PCDH19 are known to be pathogenic (PMID: 21053371). This variant has been observed to be de novo in an individual affected with epilepsy (PMID: 20713952). This variant is not present in population databases (ExAC no frequency).

Literature cited by the submitters: PubMed 16199547; PubMed 21053371; PubMed 20713952.